The following is an entry in ClinVar:

NM_201384.3(PLEC):c.10236C>T (p.Ala3412=)

Gene: PLEC (plectin; minus strand). Cytogenetic location: 8q24.3.
Variant type: single nucleotide variant.
Coding change: c.10236C>T on transcript NM_201384.3 (MANE Select); coding-DNA position 10236, C replaced by T.
Protein change: p.Ala3412=; no amino-acid change (alanine 3412 retained).
Molecular consequence: synonymous variant.
Genome position (GRCh38, 1-based): chr8:143,919,585, G>A on the plus strand (C>T on the coding strand, the complement: PLEC is on the minus strand). VCF-style: chr8-143919585-G-A. GRCh37 (hg19) VCF-style: chr8-144993753-G-A.
Other names: c.10317C>T, p.Ala3439= (NM_000445.5); c.10194C>T, p.Ala3398= (NM_201378.4); c.10170C>T, p.Ala3390= (NM_201379.3); c.10647C>T, p.Ala3549= (NM_201380.4); c.10140C>T, p.Ala3380= (NM_201381.3); c.10236C>T, p.Ala3412= (NM_201382.4); c.10248C>T, p.Ala3416= (NM_201383.3).
Identifiers: ClinVar variation 671879 (VCV000671879.34), dbSNP rs782813070, ClinGen allele CA4924716.

ClinVar aggregate classification (germline): Likely benign. Review status: criteria provided, multiple submitters, no conflicts (2 of 4 stars). 3 submissions from 3 submitters: Likely benign (3). Last evaluated 2025-09-11.

Conditions:
Autosomal recessive limb-girdle muscular dystrophy type 2Q (LGMDR17). Also called: MUSCULAR DYSTROPHY, LIMB-GIRDLE, AUTOSOMAL RECESSIVE 17. Identifiers: Orphanet 254361, MedGen C3150989, MONDO:0013390, OMIM 613723.
Epidermolysis bullosa simplex with nail dystrophy (EBS5D). Identifiers: MedGen C4225309, MONDO:0014661, OMIM 616487.
Epidermolysis bullosa simplex 5B, with muscular dystrophy (EBS5B). Also called: Epidermolysis bullosa simplex with muscular dystrophy; EPIDERMOLYSIS BULLOSA SIMPLEX AND LIMB-GIRDLE MUSCULAR DYSTROPHY. Identifiers: Orphanet 257, MedGen C2931072, MONDO:0009181, OMIM 226670.
Epidermolysis bullosa simplex, Ogna type (EBS5A). Also called: EPIDERMOLYSIS BULLOSA SIMPLEX 5A, OGNA TYPE; Pidermolysis bullosa simplex 5A, Ogna type. Identifiers: Orphanet 79401, MedGen C0432317, MONDO:0007555, OMIM 131950.
Epidermolysis bullosa simplex 5C, with pyloric atresia (EBS5C). Also called: PLEC-Related Epidermolysis Bullosa with Pyloric Atresia; PLEC1-Related Epidermolysis Bullosa with Pyloric Atresia; Epidermolysis bullosa simplex with pyloric atresia. Identifiers: Orphanet 158684, MedGen C2677349, MONDO:0012807, OMIM 612138.

Allele frequency attached by ClinVar (database versions not stated): TOPMed 0.00001; ExAC 0.00002; gnomAD 0.00002; gnomAD exomes 0.00002 and 0.00005.
gnomAD v4.1: 70 of 1,600,148 alleles (0.0044%); highest among the groups gnomAD compares: Admixed American, 0.0084%; no homozygotes.

Submissions (3):

Labcorp Genetics (formerly Invitae), Labcorp
Classification: Likely benign for Autosomal recessive limb-girdle muscular dystrophy type 2Q; Epidermolysis bullosa simplex, Ogna type; Epidermolysis bullosa simplex with nail dystrophy; Epidermolysis bullosa simplex 5C, with pyloric atresia; Epidermolysis bullosa simplex 5B, with muscular dystrophy. Last evaluated: 2025-09-11. Review status: criteria provided, single submitter. Criteria: Invitae Variant Classification Sherloc (09022015). Collection method: clinical testing. Allele origin: germline.

CeGaT Center for Human Genetics Tuebingen
Classification: Likely benign. Last evaluated: 2022-04-01. Review status: criteria provided, single submitter. Criteria: CeGaT Center For Human Genetics Tuebingen Variant Classification Criteria Version 2. Collection method: clinical testing. Allele origin: germline. Affected: yes. Observed: 1 variant allele.
Comment: PLEC: BP4, BP7

GeneDx
Classification: Likely benign. Last evaluated: 2018-06-11. Review status: criteria provided, single submitter. Criteria: GeneDx Variant Classification (06012015). Collection method: clinical testing. Allele origin: germline. Affected: yes.
Comment: This variant is considered likely benign or benign based on one or more of the following criteria: it is a conservative change, it occurs at a poorly conserved position in the protein, it is predicted to be benign by multiple in silico algorithms, and/or has population frequency not consistent with disease.